The following is an entry in ClinVar:

ClinVar aggregate classification (germline): Likely benign. Review status: criteria provided, multiple submitters, no conflicts (2 of 4 stars). 5 submissions from 5 submitters: Likely benign (5). Last evaluated 2026-05-21.

Conditions:
Hereditary cancer-predisposing syndrome. Also called: Tumor predisposition; Hereditary neoplastic syndrome; Neoplastic Syndromes, Hereditary; Hereditary Cancer Syndrome. Identifiers: Orphanet 140162, MedGen C0027672, MeSH D009386, MONDO:0015356.
Hereditary breast ovarian cancer syndrome. Also called: BRCA1- and BRCA2-Associated Hereditary Breast and Ovarian Cancer; Hereditary breast and/or ovarian cancer syndrome; Hereditary breast and ovarian cancer; Hereditary breast and ovarian cancer syndrome (HBOC); Breast and ovarian cancer; Hereditary breast and ovarian cancer syndrome. Identifiers: Orphanet 145, MedGen C0677776, MeSH D061325, MONDO:0003582. Disease mechanism: loss of function.

Allele frequency attached by ClinVar (database versions not stated): gnomAD exomes below 0.00001.
gnomAD v4.1: 3 of 1,613,664 alleles (0.00019%); highest among the groups gnomAD compares: Non-Finnish European, 0.00025%; no homozygotes.

Submissions (5):

Ambry Genetics
Classification: Likely benign for Hereditary cancer-predisposing syndrome. Last evaluated: 2026-05-21. Review status: criteria provided, single submitter. Criteria: Ambry Variant Classification Scheme 2023. Collection method: clinical testing. Allele origin: germline.

Labcorp Genetics (formerly Invitae), Labcorp
Classification: Likely benign for Hereditary breast ovarian cancer syndrome. Last evaluated: 2025-02-19. Review status: criteria provided, single submitter. Criteria: Invitae Variant Classification Sherloc (09022015). Collection method: clinical testing. Allele origin: germline.

Women's Health and Genetics/Laboratory Corporation of America, LabCorp
Classification: Likely benign. Last evaluated: 2024-12-06. Review status: criteria provided, single submitter. Criteria: LabCorp Variant Classification Summary - May 2015. Collection method: clinical testing. Allele origin: germline.

Molecular Diagnostics Laboratory, Catalan Institute of Oncology
Classification: Likely benign for Hereditary cancer-predisposing syndrome. Last evaluated: 2024-10-21. Review status: criteria provided, single submitter. Criteria: ClinGen BRCA1BRCA2 ACMG Specifications BRCA1 V1.0.0. Collection method: clinical testing. Allele origin: germline.
Comment: PM2_Supporting, BP1_Strong c.2574G>A, located outside any (potentially) clinically important functional domain of BRCA1, is predicted to result in no splicing alteration (according to SpliceAI) and no amino acid change, p.(Gln858=) (BP1_Strong). It is not present in the population database gnomAD v2.1.1, non cancer dataset (PM2_supporting). To our knowledge, neither relevant clinical data nor well-stablished functional studies have been reported for this variant. The variant has been reported in ClinVar** (2x likely benign). Based on currently available information, the variant c.2574G>A should be considered a likely benign variant.

Color Diagnostics, LLC DBA Color Health
Classification: Likely benign for Hereditary cancer-predisposing syndrome. Last evaluated: 2017-07-05. Review status: criteria provided, single submitter. Criteria: ACMG Guidelines, 2015. Collection method: clinical testing. Allele origin: germline.

NM_007294.4(BRCA1):c.2574G>A (p.Gln858=)

Gene: BRCA1 (BRCA1 DNA repair associated; minus strand). Cytogenetic location: 17q21.31.
Variant type: single nucleotide variant.
Coding change: c.2574G>A on transcript NM_007294.4 (MANE Select); coding-DNA position 2574, G replaced by A.
Protein change: p.Gln858=; no amino-acid change (glutamine 858 retained).
Molecular consequence: synonymous variant. On other transcripts: intron variant (137).
Genome position (GRCh38, 1-based): chr17:43,092,957, C>T on the plus strand (G>A on the coding strand, the complement: BRCA1 is on the minus strand). VCF-style: chr17-43092957-C-T. GRCh37 (hg19) VCF-style: chr17-41244974-C-T.
Other names: c.784+1787G>A (NM_001408400.1, NM_001408392.1, NM_001407986.1 and 13 more transcripts); c.664+1787G>A (NM_001408441.1, NM_001408437.1, NM_001408429.1 and 12 more transcripts); c.787+1787G>A (NM_001407979.1, NM_001407977.1, NM_001407982.1 and 17 more transcripts); c.646+1787G>A (NM_001408410.1, NM_001408458.1, NM_001408469.1 and 11 more transcripts); c.709+1787G>A (NM_001408415.1, NM_001408412.1, NM_001408409.1 and 2 more transcripts); c.577+1787G>A (NM_001408483.1, NM_001408481.1, NM_001408480.1 and 9 more transcripts); c.2361G>A, p.Gln787= (NM_001407571.1, NM_001407853.1, NM_001407894.1 and 9 more transcripts); c.2574G>A, p.Gln858= (NM_001407581.1, NM_001407582.1, NM_001407583.1 and 30 more transcripts); and 41 more.
Identifiers: ClinVar variation 491048 (VCV000491048.16), dbSNP rs1555589357, ClinGen allele CA500232418.